The following is an entry in ClinVar:

NM_001429.4(EP300):c.7014_7043del (p.His2339_His2348del)

Gene: EP300 (EP300 lysine acetyltransferase; plus strand). Cytogenetic location: 22q13.2.
Variant type: Deletion.
Coding change: c.7014_7043del on transcript NM_001429.4 (MANE Select); coding-DNA positions 7014 to 7043, 30 bases deleted (CCACGTTTCCCCACAGACAAGTTCCCCACA).
Protein change: p.His2339_His2348del.
Genome position (GRCh38, 1-based): chr22:41,178,725-41,178,754, CCACGTTTCCCCACAGACAAGTTCCCCACA deleted; deleting any 30 consecutive bases within chr22:41,178,720-41,178,754 gives the same sequence; the c. name uses the placement nearest the transcript's 3' end. VCF-style (leftmost placement, unchanged base first): chr22-41178719-TCCACACCACGTTTCCCCACAGACAAGTTCC-T. GRCh37 (hg19) VCF-style: chr22-41574723-TCCACACCACGTTTCCCCACAGACAAGTTCC-T.
Other names: c.6936_6965del, p.His2313_His2322del (NM_001362843.2).
Identifiers: ClinVar variation 4538751 (VCV004538751.1).

ClinVar aggregate classification (germline): Uncertain significance (1 of 4 stars; one submission).

Submission:

GeneDx
Classification: Uncertain significance. Last evaluated: 2025-06-22. Review status: criteria provided, single submitter. Criteria: GeneDx Variant Classification Process June 2021. Collection method: clinical testing. Allele origin: germline. Affected: yes.
Comment: Not observed at significant frequency in large population cohorts (gnomAD); In-frame deletion of 10 amino acid(s) in a non-repeat region; In silico analysis supports a deleterious effect on protein structure/function; Has not been previously published as pathogenic or benign to our knowledge